The following is an entry in ClinVar:

ClinVar aggregate classification (germline): Uncertain significance (1 of 4 stars; one submission).

Allele frequency attached by ClinVar (database versions not stated): TOPMed 0.00001; gnomAD 0.00003; gnomAD exomes 0.00003; ExAC 0.00005.
gnomAD v4.1: 50 of 1,613,540 alleles (0.0031%); highest among the groups gnomAD compares: Non-Finnish European, 0.0041%; no homozygotes.

Submission:

Labcorp Genetics (formerly Invitae), Labcorp
Classification: Uncertain significance. Last evaluated: 2023-09-29. Review status: criteria provided, single submitter. Criteria: Invitae Variant Classification Sherloc (09022015). Collection method: clinical testing. Allele origin: germline.
Comment: This sequence change replaces valine, which is neutral and non-polar, with alanine, which is neutral and non-polar, at codon 873 of the AP3B2 protein (p.Val873Ala). This variant is present in population databases (rs751603825, gnomAD 0.005%). This variant has not been reported in the literature in individuals affected with AP3B2-related conditions. ClinVar contains an entry for this variant (Variation ID: 1504518). An algorithm developed to predict the effect of missense changes on protein structure and function (PolyPhen-2) suggests that this variant¬†is likely to be tolerated. In summary, the available evidence is currently insufficient to determine the role of this variant in disease. Therefore, it has been classified as a Variant of Uncertain Significance.

NM_001278512.2(AP3B2):c.2675T>C (p.Val892Ala)

Genes: AP3B2 (adaptor related protein complex 3 subunit beta 2; minus strand), CPEB1-AS1 (CPEB1 antisense RNA 1; plus strand). Cytogenetic location: 15q25.2.
Variant type: single nucleotide variant.
Coding change: c.2675T>C on transcript NM_001278512.2 (MANE Select); coding-DNA position 2675, T replaced by C.
Protein change: p.Val892Ala; replaces valine 892 with alanine.
Molecular consequence: missense variant.
Genome position (GRCh38, 1-based): chr15:82,662,852, A>G on the plus strand (T>C on the coding strand, the complement: AP3B2 is on the minus strand). VCF-style: chr15-82662852-A-G. GRCh37 (hg19) VCF-style: chr15-83331604-A-G.
Other names: c.2522T>C, p.Val841Ala (NM_001278511.2); c.2618T>C, p.Val873Ala (NM_004644.5); short protein forms V841A, V873A, V892A.
Identifiers: ClinVar variation 1504518 (VCV001504518.6), dbSNP rs751603825, ClinGen allele CA7699821.